The following is an entry in ClinVar:

NM_001281971.2(KIR2DS4):c.74T>C (p.Val25Ala)

Gene: KIR2DS4 (killer cell immunoglobulin like receptor, two Ig domains and short cytoplasmic tail 4 (gene/pseudogene)). Cytogenetic location: 19q13.42.
Variant type: single nucleotide variant.
Coding change: c.74T>C on transcript NM_001281971.2; coding-DNA position 74, T replaced by C.
Protein change: p.Val25Ala; replaces valine 25 with alanine.
Molecular consequence: missense variant.
Genome position (GRCh38, 1-based): chr19:54,837,579, T>C. VCF-style: chr19-54837579-T-C. GRCh37 (hg19) VCF-style: chr19-55349034-T-C.
Other names: c.74T>C, p.Val25Ala (NM_001281972.2); short protein forms V25A.
Identifiers: ClinVar variation 2650486 (VCV002650486.23), dbSNP rs112904746, ClinGen allele CA309929608.
Genomic context (GRCh38, chr19:54,837,579, plus strand): 5'-GCCATGGATGGGATGATAAAGAGAGACACCTTCTAAACTCACAACCTCTCTTCCTAGGAG[T>C]CCACAGAAAACCTTCCTTCCTGGCCCTCCCAGGTCACCTGGTGAAATCAGAAGAGACAGT-3'

ClinVar aggregate classification (germline): Likely benign (1 of 4 stars; one submission).

Allele frequency attached by ClinVar (database versions not stated): ExAC 0.00095; 1000 Genomes Project 0.00339; 1000 Genomes Project 30x 0.00359; gnomAD 0.00302; ESP Exome Variant Server 0.00308.

Submission:

CeGaT Center for Human Genetics Tuebingen
Classification: Likely benign. Last evaluated: 2023-07-01. Review status: criteria provided, single submitter. Criteria: CeGaT Center For Human Genetics Tuebingen Variant Classification Criteria Version 2. Collection method: clinical testing. Allele origin: germline. Affected: yes. Observed: 1 variant allele.
Comment: KIR2DS4: BS2